The following is an entry in ClinVar:

ClinVar aggregate classification (germline): Uncertain significance (1 of 4 stars; one submission).

Conditions:
GNB4-related disorder. Also called: GNB4-related condition.

gnomAD v4.1: 10 of 1,614,016 alleles (0.00062%); highest among the groups gnomAD compares: African/African-American, 0.0013%; no homozygotes.

Submission:

PreventionGenetics, part of Exact Sciences
Classification: Uncertain significance for GNB4-related condition. Last evaluated: 2026-08-19. Review status: criteria provided, single submitter. Criteria: ACMG Guidelines, 2015. Collection method: clinical testing. Allele origin: germline.
Comment: The GNB4 c.985A>G variant is predicted to result in the amino acid substitution p.Thr329Ala. To our knowledge, this variant has not been reported in the literature. This variant is reported in 0.00088% of alleles in individuals of European (Non-Finnish) descent in gnomAD. At this time, the clinical significance of this variant is uncertain due to the absence of conclusive functional and genetic evidence.

NM_021629.4(GNB4):c.985A>G (p.Thr329Ala)

Gene: GNB4 (G protein subunit beta 4; minus strand). Cytogenetic location: 3q26.33.
Variant type: single nucleotide variant.
Coding change: c.985A>G on transcript NM_021629.4 (MANE Select); coding-DNA position 985, A replaced by G.
Protein change: p.Thr329Ala; replaces threonine 329 with alanine.
Molecular consequence: missense variant.
Genome position (GRCh38, 1-based): chr3:179,401,251, T>C on the plus strand (A>G on the coding strand, the complement: GNB4 is on the minus strand). VCF-style: chr3-179401251-T-C. GRCh37 (hg19) VCF-style: chr3-179119039-T-C.
Other names: short protein forms T329A.
Identifiers: ClinVar variation 4977139 (VCV004977139.1).